The following is an entry in ClinVar:

NM_001199397.3(NEK1):c.1536G>A (p.Ala512=)

Gene: NEK1 (NIMA related kinase 1; minus strand). Cytogenetic location: 4q33.
Variant type: single nucleotide variant.
Coding change: c.1536G>A on transcript NM_001199397.3 (MANE Select); coding-DNA position 1536, G replaced by A.
Protein change: p.Ala512=; no amino-acid change (alanine 512 retained).
Molecular consequence: synonymous variant. On other transcripts: non-coding transcript variant (1), intron variant (3).
Genome position (GRCh38, 1-based): chr4:169,555,746, C>T on the plus strand (G>A on the coding strand, the complement: NEK1 is on the minus strand). VCF-style: chr4-169555746-C-T. GRCh37 (hg19) VCF-style: chr4-170476897-C-T.
Other names: c.1485G>A, p.Ala495= (NM_001374420.1); c.1410G>A, p.Ala470= (NM_001374421.1); c.1536G>A, p.Ala512= (NM_012224.4, NM_001374418.1, NM_001374419.1); c.1355+186G>A (NM_001199399.3); c.1430+186G>A (NM_001199398.3, NM_001199400.3).
Identifiers: ClinVar variation 3348309 (VCV003348309.4).

ClinVar aggregate classification (germline): Conflicting classifications of pathogenicity. Review status: criteria provided, conflicting classifications (1 of 4 stars). 2 submissions from 2 submitters: Uncertain significance (1); Likely benign (1). Last evaluated 2026-01-12.

Conditions:
Short-rib thoracic dysplasia 6 with or without polydactyly (SRTD6). Also called: SHORT-RIB THORACIC DYSPLASIA 6 WITH POLYDACTYLY; SHORT RIB-POLYDACTYLY SYNDROME, TYPE IIA; SHORT-RIB THORACIC DYSPLASIA 6 WITHOUT POLYDACTYLY; POLYDACTYLY WITH NEONATAL CHONDRODYSTROPHY, TYPE II; Majewski Syndrome. Identifiers: MedGen C0024507, MONDO:0009894, OMIM 263520.
NEK1-related disorder. Also called: NEK1-related condition.

gnomAD v4.1: 27 of 1,613,692 alleles (0.0017%); highest among the groups gnomAD compares: East Asian, 0.025%; no homozygotes.

Submissions (2):

PreventionGenetics, part of Exact Sciences
Classification: Uncertain significance for NEK1-related condition. Last evaluated: 2026-01-12. Review status: criteria provided, single submitter. Criteria: ACMG Guidelines, 2015. Collection method: clinical testing. Allele origin: germline.
Comment: The NEK1 c.1536G>A variant is not predicted to result in an amino acid change (p.=). Available splicing prediction programs provide inconclusive results on this variant's potential impact on splicing (SpliceAI, Jaganathan et al. 2019. PubMed ID: 30661751; Alamut Visual Plus version v1.6.1). However, the use of computer prediction programs are not equivalent to functional evidence. To our knowledge, this variant has not been reported in the literature. This variant is reported in 0.028% of alleles in individuals of East Asian descent in gnomAD. At this time, the clinical significance of this variant is uncertain due to the absence of conclusive functional and genetic evidence.

Labcorp Genetics (formerly Invitae), Labcorp
Classification: Likely benign for Short-rib thoracic dysplasia 6 with or without polydactyly. Last evaluated: 2025-12-03. Review status: criteria provided, single submitter. Criteria: Invitae Variant Classification Sherloc (09022015). Collection method: clinical testing. Allele origin: germline.